The following is an entry in ClinVar:

NM_007289.4(MME):c.1400dup (p.Arg468fs)

Gene: MME (membrane metalloendopeptidase; plus strand). Cytogenetic location: 3q25.2.
Variant type: Duplication.
Coding change: c.1400dup on transcript NM_007289.4 (MANE Select); coding-DNA position 1400, one base duplicated (A; older notation c.1400dupA).
Protein change: p.Arg468fs; shifts the reading frame from arginine 468.
Molecular consequence: frameshift variant.
Genome position (GRCh38, 1-based): chr3:155,144,441, A duplicated; the last of 6 consecutive A bases (chr3:155,144,436-155,144,441); duplicating any one gives the same sequence. VCF-style (leftmost placement, unchanged base first): chr3-155144435-C-CA. GRCh37 (hg19) VCF-style: chr3-154862224-C-CA.
Other names: c.1400dup, p.Arg468fs (NM_000902.5, NM_001354642.2, NM_001354643.1 and 2 more transcripts); c.1400dupA (NM_007289.2, NM_007289.4); short protein forms R468fs.
Identifiers: ClinVar variation 935850 (VCV000935850.16), dbSNP rs751149568, ClinGen allele CA2675487.

ClinVar aggregate classification (germline): Pathogenic/Likely pathogenic. Review status: criteria provided, multiple submitters, no conflicts (2 of 4 stars). 7 submissions from 7 submitters: Pathogenic (3); Likely pathogenic (2). 2 of the submissions do not count toward it. Last evaluated 2025-10-23.

Conditions:
MME-related disorder. Also called: MME-related condition.
Inborn genetic diseases. Identifiers: MedGen C0950123, MeSH D030342.
Charcot-Marie-Tooth disease axonal type 2T. Identifiers: Orphanet 443950, MedGen C4015635, OMIM 617017, MONDO:0014866.

Submissions (7):

Labcorp Genetics (formerly Invitae), Labcorp
Classification: Pathogenic. Last evaluated: 2025-10-23. Review status: criteria provided, single submitter. Criteria: Invitae Variant Classification Sherloc (09022015). Collection method: clinical testing. Allele origin: germline.
Comment: This sequence change creates a premature translational stop signal (p.Arg468Glufs*3) in the MME gene. It is expected to result in an absent or disrupted protein product. Loss-of-function variants in MME are known to be pathogenic (PMID: 26991897). This variant is present in population databases (rs751149568, gnomAD 0.008%). This variant has not been reported in the literature in individuals affected with MME-related conditions. ClinVar contains an entry for this variant (Variation ID: 935850). For these reasons, this variant has been classified as Pathogenic.

Ambry Genetics
Classification: Pathogenic for Inborn genetic diseases. Last evaluated: 2025-08-05. Review status: criteria provided, single submitter. Criteria: Ambry Variant Classification Scheme 2023. Collection method: clinical testing. Allele origin: germline.
Comment: The c.1400dupA (p.R468Efs*3) alteration, located in exon 14 (coding exon 13) of the MME gene, consists of a duplication of A at position 1400, causing a translational frameshift with a predicted alternate stop codon after 3 amino acids. This alteration is expected to result in loss of function by premature protein truncation or nonsense-mediated mRNA decay. Based on data from gnomAD, the AA allele has an overall frequency of 0.003% (8/250076) total alleles studied. The highest observed frequency was 0.007% (8/112830) of European (non-Finnish) alleles. This variant was reported in individual(s) with features consistent with MME-related Charcot-Marie-Tooth disease type 2 (Senderek, 2020; Ambry internal data). Based on the available evidence, this alteration is classified as pathogenic.

Genetics Laboratory, Department of Biology, Semnan University
Classification: Pathogenic for Charcot-Marie-Tooth disease axonal type 2T. Last evaluated: 2023-06-10. Review status: criteria provided, single submitter. Criteria: ACMG Guidelines, 2015. Collection method: research. Allele origin: germline. Inheritance: Autosomal recessive inheritance. Affected: yes. Observed: 1 variant allele, 1 homozygote.
Comment: The identified variant leads to the substitution of Argenine 468 with other codon leading to a frameshift in the MME gene sequence. Hence, this substitution could alter the amino acid sequence and could leads to a decreased function or loss of function of mutated protein. The WES was performed for about 100 million reads, using the Illumina Hiseq2000 sequencer platform and Agilent SureSelect Human All Exon V7 kit (Agilent, Santa Clara, USA). Data filtering was first performed based on frequency and then according to intronic, upstream, downstream, 3'-UTR, 5'-UTR, intergenic and other non-coding variants. At final step, synonymous mutations were also fltered. In general, test platform examined more than 95% of the targeted regions with sensitivity of > 99%. The results of WES were analyzed by bioinformatics tools BWA aligner, GATK, and Annovar and public databases ClinVar, gnomAD, Kaviar, and GME. In addition, ACMG (American College of Medical Genetics) guidelines and local population database with more than 7000 unrelated individuals were utilized. As control, 300 healthy individuals with the same ethnicity as the studied patient were also screened for the mutation found. Online bioinformatics tools MutationTaster, SIFT, and CADD_phred software were used to predict the pathogenic effects of the mutation.

Women's Health and Genetics/Laboratory Corporation of America, LabCorp
Classification: Likely pathogenic for Charcot-Marie-Tooth disease axonal type 2T. Last evaluated: 2023-01-09. Review status: criteria provided, single submitter. Criteria: LabCorp Variant Classification Summary - May 2015. Collection method: clinical testing. Allele origin: germline.
Comment: Variant summary: MME c.1400dupA (p.Arg468GlufsX3) results in a premature termination codon, predicted to cause a truncation of the encoded protein or absence of the protein due to nonsense mediated decay, which are commonly known mechanisms for disease. Truncations downstream of this position have been classified as pathogenic in ClinVar. The variant allele was found at a frequency of 3.2e-05 in 250076 control chromosomes (gnomAD). c.1400dupA has been reported in the literature in individuals affected with progressive sensorimotor peripheral neuropathy and Charcot-Marie-Tooth disease (examples: Senderek_2020 and Smedley_2021). These data indicate that the variant may be associated with disease. One clinical diagnostic laboratory has submitted clinical-significance assessments for this variant to ClinVar after 2014 and classified the variant as pathogenic. Based on the evidence outlined above, the variant was classified as likely pathogenic.

Blueprint Genetics
Classification: Likely pathogenic for MME-related disorders. Last evaluated: 2020-10-02. Review status: criteria provided, single submitter. Criteria: ACMG Guidelines, 2015. Collection method: clinical testing. Allele origin: germline. Affected: yes. Observed: 4 variant alleles.

Genetic Services Laboratory, University of Chicago
Classification: Likely pathogenic. Last evaluated: 2022-07-05. Review status: no assertion criteria provided. Collection method: clinical testing. Allele origin: germline. Affected: yes. Not counted in ClinVar's aggregate classification.
Comment: DNA sequence analysis of the MME gene demonstrated a one base pair duplication in exon 14, c.1400dup. This likely pathogenic sequence change results in an amino acid frameshift and creates a premature stop codon 3 amino acids downstream of the change, p.Arg468Glufs*3. This likely pathogenic sequence change is predicted to result in an abnormal transcript, which may be degraded, or may lead to the production of a truncated MME protein with potentially abnormal function. This sequence change has been described in the gnomAD database with a frequency of 0.007% in the European subpopulation(dbSNP rs751149568). While this sequence change has not previously been described in the literature, other truncating variants in the MME gene (both upstream and downstream of this variant) have been described in several individuals with MME-related disorders (PMID: 30415211, 26991897).

Genomics England Pilot Project, Genomics England
Classification: Pathogenic for Charcot-Marie-Tooth disease axonal type 2T. Review status: no assertion criteria provided. Criteria: ACGS Guidelines, 2016. Collection method: clinical testing. Allele origin: germline. Affected: yes. Not counted in ClinVar's aggregate classification.

Literature cited by the submitters: PubMed 26991897 (cited by Labcorp Genetics (formerly Invitae), Labcorp); PubMed 33144514 (cited by Ambry Genetics and Women's Health and Genetics/Laboratory Corporation of America, LabCorp); DOI 10.1056/NEJMoa2035790 (cited by Genetics Laboratory, Department of Biology, Semnan University); PubMed 34758253 (cited by Women's Health and Genetics/Laboratory Corporation of America, LabCorp).